The following is an entry in ClinVar:

NM_001378615.1(CC2D2A):c.3288+41A>C

Genes: CC2D2A (coiled-coil and C2 domain containing 2A; plus strand), FBXL5 (F-box and leucine rich repeat protein 5; minus strand). Cytogenetic location: 4p15.32.
Variant type: single nucleotide variant.
Coding change: c.3288+41A>C on transcript NM_001378615.1 (MANE Select); 41 bases into the intron after coding-DNA position 3288, A replaced by C.
Molecular consequence: intron variant.
Genome position (GRCh38, 1-based): chr4:15,567,523, A>C. VCF-style: chr4-15567523-A-C. GRCh37 (hg19) VCF-style: chr4-15569146-A-C.
Other names: c.3288+41A>C (NM_001080522.2); c.3141+41A>C (NM_001378617.1).
Identifiers: ClinVar variation 126239 (VCV000126239.13), dbSNP rs13116304, ClinGen allele CA150870.
Genomic context (GRCh38, chr4:15,567,523, plus strand): 5'-CTGACTACCCCCTCGGCCAGGTGAGAGATGCTGGACTTCAGCTTTCCACCTTGCCCCTTA[A>C]GTTTTTAAGAAATGACTGTAAACTTCATGGATAGTCTGCTCTCTGCTTCATTTTCTTTGG-3'

ClinVar aggregate classification (germline): Benign. Review status: criteria provided, multiple submitters, no conflicts (2 of 4 stars). 6 submissions from 5 submitters: Benign (5). 1 of the submissions does not count toward it. Last evaluated 2021-07-14.

Conditions:
Meckel syndrome, type 6. Identifiers: Orphanet 564, MedGen C2676790, MONDO:0012848, OMIM 612284.
Joubert syndrome 9 (JBTS9). Identifiers: Orphanet 2318, MedGen C2676788, MONDO:0012849, OMIM 612285.

Allele frequency attached by ClinVar (database versions not stated): 1000 Genomes Project 0.66234; 1000 Genomes Project 30x 0.66771; gnomAD 0.68417; TOPMed 0.69633; ESP Exome Variant Server 0.70314.

Submissions (6):

Genome-Nilou Lab
Classification: Benign for Joubert syndrome 9. Last evaluated: 2021-07-14. Review status: criteria provided, single submitter. Criteria: ACMG Guidelines, 2015. Collection method: clinical testing. Allele origin: germline. Affected: no.

Genome-Nilou Lab
Classification: Benign for Meckel syndrome, type 6. Last evaluated: 2021-07-14. Review status: criteria provided, single submitter. Criteria: ACMG Guidelines, 2015. Collection method: clinical testing. Allele origin: germline. Affected: no.

GeneDx
Classification: Benign. Last evaluated: 2018-06-26. Review status: criteria provided, single submitter. Criteria: GeneDx Variant Classification Process June 2021. Collection method: clinical testing. Allele origin: germline. Affected: yes.

Breakthrough Genomics
Classification: Benign. Review status: criteria provided, single submitter. Criteria: ACMG Guidelines, 2015. Collection method: not provided. Allele origin: germline. Inheritance: Autosomal recessive inheritance. Affected: yes.

PreventionGenetics, part of Exact Sciences
Classification: Benign. Review status: criteria provided, single submitter. Criteria: ACMG Guidelines, 2015. Collection method: clinical testing. Allele origin: germline.

Genetic Services Laboratory, University of Chicago
Classification: Likely benign for AllHighlyPenetrant. Review status: no assertion criteria provided. Collection method: clinical testing. Allele origin: germline. Inheritance: Autosomal recessive inheritance. Observed: 327 variant alleles. Not counted in ClinVar's aggregate classification.
Comment: Likely benign based on allele frequency in 1000 Genomes Project or ESP global frequency and its presence in a patient with a rare or unrelated disease phenotype. NOT Sanger confirmed.